The following is an entry in ClinVar:

NM_001916.5(CYC1):c.681G>A (p.Leu227=)

Gene: CYC1 (cytochrome c1; plus strand). Cytogenetic location: 8q24.3.
Variant type: single nucleotide variant.
Coding change: c.681G>A on transcript NM_001916.5 (MANE Select); coding-DNA position 681, G replaced by A.
Protein change: p.Leu227=; no amino-acid change (leucine 227 retained).
Molecular consequence: synonymous variant.
Genome position (GRCh38, 1-based): chr8:144,096,653, G>A. VCF-style: chr8-144096653-G-A. GRCh37 (hg19) VCF-style: chr8-145151556-G-A.
Identifiers: ClinVar variation 387139 (VCV000387139.1), dbSNP rs1021549129, ClinGen allele CA16605355.

ClinVar aggregate classification (germline): Likely benign (1 of 4 stars; one submission).

Allele frequency attached by ClinVar (database versions not stated): TOPMed 0.00001 and 0.00002.

Submission:

GeneDx
Classification: Likely benign. Last evaluated: 2016-07-07. Review status: criteria provided, single submitter. Criteria: GeneDx Variant Classification (06012015). Collection method: clinical testing. Allele origin: germline. Affected: yes.
Comment: This variant is considered likely benign or benign based on one or more of the following criteria: it is a conservative change, it occurs at a poorly conserved position in the protein, it is predicted to be benign by multiple in silico algorithms, and/or has population frequency not consistent with disease.